The following is an entry in ClinVar:

NM_000283.4(PDE6B):c.1330C>T (p.Arg444Cys)

Gene: PDE6B (phosphodiesterase 6B; plus strand). Cytogenetic location: 4p16.3.
Variant type: single nucleotide variant.
Coding change: c.1330C>T on transcript NM_000283.4 (MANE Select); coding-DNA position 1330, C replaced by T.
Protein change: p.Arg444Cys; replaces arginine 444 with cysteine.
Molecular consequence: missense variant.
Genome position (GRCh38, 1-based): chr4:657,423, C>T. VCF-style: chr4-657423-C-T. GRCh37 (hg19) VCF-style: chr4-651212-C-T.
Other names: c.1330C>T (NM_000283.3); c.1330C>T, p.Arg444Cys (NM_001145291.2); c.493C>T, p.Arg165Cys (NM_001145292.2, NM_001350154.3, NM_001379246.1 and 1 more transcripts); c.175C>T, p.Arg59Cys (NM_001350155.3); short protein forms R444C, R165C, R59C.
Identifiers: ClinVar variation 493388 (VCV000493388.47), dbSNP rs189094454, ClinGen allele CA2794451.

ClinVar aggregate classification (germline): Uncertain significance. Review status: criteria provided, multiple submitters, no conflicts (2 of 4 stars). 4 submissions from 4 submitters: Uncertain significance (4). Last evaluated 2026-09-08.

Conditions:
PDE6B-related disorder. Also called: PDE6B-related disorders; PDE6B-related disease; PDE6B-related condition.

Allele frequency attached by ClinVar (database versions not stated): gnomAD 0.00001 and 0.00002; ExAC 0.00002; TOPMed 0.00002; 1000 Genomes Project 0.00020; 1000 Genomes Project 30x 0.00031.
gnomAD v4.1: 29 of 1,613,066 alleles (0.0018%); highest among the groups gnomAD compares: East Asian, 0.0022%; no homozygotes.

Submissions (4):

PreventionGenetics, part of Exact Sciences
Classification: Uncertain significance for PDE6B-related condition. Last evaluated: 2026-09-08. Review status: criteria provided, single submitter. Criteria: ACMG Guidelines, 2015. Collection method: clinical testing. Allele origin: germline.
Comment: The PDE6B c.1330C>T variant is predicted to result in the amino acid substitution p.Arg444Cys. To our knowledge, this variant has not been reported in the literature. This variant is reported in 0.0050% of alleles in individuals of East Asian descent in gnomAD. At this time, the clinical significance of this variant is uncertain due to the absence of conclusive functional and genetic evidence.

Labcorp Genetics (formerly Invitae), Labcorp
Classification: Uncertain significance. Last evaluated: 2024-02-05. Review status: criteria provided, single submitter. Criteria: Invitae Variant Classification Sherloc (09022015). Collection method: clinical testing. Allele origin: germline.
Comment: This sequence change replaces arginine, which is basic and polar, with cysteine, which is neutral and slightly polar, at codon 444 of the PDE6B protein (p.Arg444Cys). This variant is present in population databases (rs189094454, gnomAD 0.005%). This variant has not been reported in the literature in individuals affected with PDE6B-related conditions. ClinVar contains an entry for this variant (Variation ID: 493388). Advanced modeling of protein sequence and biophysical properties (such as structural, functional, and spatial information, amino acid conservation, physicochemical variation, residue mobility, and thermodynamic stability) performed at Invitae indicates that this missense variant is expected to disrupt PDE6B protein function with a positive predictive value of 95%. In summary, the available evidence is currently insufficient to determine the role of this variant in disease. Therefore, it has been classified as a Variant of Uncertain Significance.

Blueprint Genetics
Classification: Uncertain significance. Last evaluated: 2022-08-19. Review status: criteria provided, single submitter. Criteria: ACMG Guidelines, 2015. Collection method: clinical testing. Allele origin: germline.

CeGaT Center for Human Genetics Tuebingen
Classification: Uncertain significance. Last evaluated: 2017-09-01. Review status: criteria provided, single submitter. Criteria: CeGaT Center For Human Genetics Tuebingen Variant Classification Criteria Version 2. Collection method: clinical testing. Allele origin: germline. Affected: yes. Observed: 1 variant allele.